The following is an entry in ClinVar:

NM_024675.4(PALB2):c.2379C>T (p.Gly793=)

Gene: PALB2 (partner and localizer of BRCA2; minus strand). Cytogenetic location: 16p12.2.
Variant type: single nucleotide variant.
Coding change: c.2379C>T on transcript NM_024675.4 (MANE Select); coding-DNA position 2379, C replaced by T.
Protein change: p.Gly793=; no amino-acid change (glycine 793 retained).
Molecular consequence: synonymous variant.
Genome position (GRCh38, 1-based): chr16:23,629,775, G>A on the plus strand (C>T on the coding strand, the complement: PALB2 is on the minus strand). VCF-style: chr16-23629775-G-A. GRCh37 (hg19) VCF-style: chr16-23641096-G-A.
Other names: p.G793G:GGC>GGT.
Identifiers: ClinVar variation 128130 (VCV000128130.63), dbSNP rs377626805, ClinGen allele CA288444.
Genomic context (GRCh38, chr16:23,629,775, plus strand): 5'-AATGGGTGGAGGTGTTCCTGGCGGGACAGAGTCACAGTCACAGGTAGGTTGTCCTTGCCT[G>A]CCTGACACTTGCAGGGTGGTATGTGGTTTTGCTGGGCTGCCTGAACTGTCGAATTGTTTA-3'
Protein context (NP_078951.2, residues 783-803): AKPHTTLQVS[Gly793=]RQGQPTCDCD

ClinVar aggregate classification (germline): Conflicting classifications of pathogenicity. Review status: criteria provided, conflicting classifications (1 of 4 stars). 18 submissions from 18 submitters: Uncertain significance (2); Benign (2); Likely benign (11). 3 of the submissions do not count toward it. Last evaluated 2026-06-01.

Conditions:
PALB2-related disorder. Also called: PALB2-related condition; PALB2-related disorders.
Hereditary cancer-predisposing syndrome. Also called: Tumor predisposition; Hereditary neoplastic syndrome; Neoplastic Syndromes, Hereditary; Hereditary Cancer Syndrome. Identifiers: Orphanet 140162, MedGen C0027672, MeSH D009386, MONDO:0015356.
Familial cancer of breast. Also called: Hereditary breast cancer; hereditary breast carcinoma; BREAST CANCER, FAMILIAL. Identifiers: Orphanet 227535, MedGen C0346153, MONDO:0016419, OMIM 114480. Disease mechanism: loss of function.
Fanconi anemia complementation group N. Also called: PALB2-Related Fanconi Anemia. Identifiers: Orphanet 84, MedGen C1835817, MONDO:0012565, OMIM 610832. Disease mechanism: loss of function.
Malignant tumor of breast. Also called: Malignant breast neoplasm; Cancer breast. Identifiers: MedGen C0006142, MONDO:0007254. Disease mechanism: loss of function.

Allele frequency attached by ClinVar (database versions not stated): ExAC 0.00006; ESP Exome Variant Server 0.00008; gnomAD exomes 0.00008; gnomAD 0.00009; TOPMed 0.00012.
gnomAD v4.1: 139 of 1,614,066 alleles (0.0086%); highest among the groups gnomAD compares: Middle Eastern, 0.049%; no homozygotes.

Submissions (18):

CeGaT Center for Human Genetics Tuebingen
Classification: Likely benign. Last evaluated: 2026-06-01. Review status: criteria provided, single submitter. Criteria: CeGaT Center For Human Genetics Tuebingen Variant Classification Criteria Version 2. Collection method: clinical testing. Allele origin: germline. Affected: yes. Observed: 4 variant alleles.
Comment: PALB2: PP3, BS3:Supporting, BS1

Labcorp Genetics (formerly Invitae), Labcorp
Classification: Benign for Familial cancer of breast. Last evaluated: 2026-01-26. Review status: criteria provided, single submitter. Criteria: Invitae Variant Classification Sherloc (09022015). Collection method: clinical testing. Allele origin: germline.

Center for Genomic Medicine, Rigshospitalet, Copenhagen University Hospital
Classification: Likely benign. Last evaluated: 2025-12-29. Review status: criteria provided, single submitter. Criteria: ACMG Guidelines, 2015. Collection method: clinical testing. Allele origin: germline.
Comment: Classification criteria: BS1, PP3, BP7_supporting

Myriad Genetics, Inc.
Classification: Likely benign for Familial cancer of breast. Last evaluated: 2025-01-16. Review status: criteria provided, single submitter. Criteria: Myriad Autosomal Dominant, Autosomal Recessive and X-Linked Classification Criteria (2023). Collection method: clinical testing. Allele origin: unknown.
Comment: This variant is considered likely benign. This variant is strongly associated with less severe personal and family histories of cancer, typical for individuals without pathogenic variants in this gene [PMID: 25085752].

Quest Diagnostics Nichols Institute San Juan Capistrano
Classification: Likely benign. Last evaluated: 2024-08-01. Review status: criteria provided, single submitter. Criteria: Quest Diagnostics criteria. Collection method: clinical testing. Allele origin: unknown.

Blueprint Genetics
Classification: Likely benign. Last evaluated: 2024-07-15. Review status: criteria provided, single submitter. Criteria: ACMG Guidelines, 2015. Collection method: clinical testing. Allele origin: germline.

Women's Health and Genetics/Laboratory Corporation of America, LabCorp
Classification: Benign. Last evaluated: 2022-09-01. Review status: criteria provided, single submitter. Criteria: LabCorp Variant Classification Summary - May 2015. Collection method: clinical testing. Allele origin: germline.
Comment: Variant summary: PALB2 c.2379C>T alters a non-conserved nucleotide resulting in a synonymous change. Several computational tools predict a significant impact on normal splicing: Three predict the variant creates a 5 donor site. However, these predictions have yet to be confirmed by functional studies. In contrast, one recently published functional study reported this variant among those with no impact on RNA splicing (Karam_2019). The authors considered the in-silico splicing predictions as a false positive evidence category and reported re-classifying this variant from a VUS to likely benign based on their study. The variant allele was found at a frequency of 7.4e-05 in 256744 control chromosomes. This frequency is not significantly higher than expected for a pathogenic variant in PALB2 causing Hereditary Breast And Ovarian Cancer Syndrome (7.4e-05 vs 0.00016), allowing no conclusion about variant significance. c.2379C>T has been reported in the literature in individuals affected with Hereditary Breast And Ovarian Cancer Syndrome (example, Catucci_2014, Damiola_2015, Thompson_2015, Borecka_2016, Decker_2017 etc.). These reports do not provide unequivocal conclusions about association of the variant with Hereditary Breast And Ovarian Cancer Syndrome. In addition, this variant was found in four women in FLOSSIES database of cancer free women older than age 70, suggesting that the variant could be benignTo our knowledge, no experimental evidence demonstrating an impact on protein function has been reported. 12 clinical diagnostic laboratories have submitted clinical-significance assessments for this variant to ClinVar classified as VUS (n=5), Likely Benign (n=6) and Benign (n=1). Based on the evidence outlined above, the variant was classified as benign.

Department of Molecular Diagnostics, Institute of Oncology Ljubljana
Classification: Likely benign for Familial cancer of breast. Last evaluated: 2022-05-15. Review status: criteria provided, single submitter. Criteria: ACMG Guidelines, 2015. Collection method: clinical testing. Allele origin: germline. Affected: yes.
Comment: PALB2:c.2379C>T is present in 0.0081% in the large population studies (GnomAd). The deep exonic variant is predicted to create a de novo donor splice site in exon 5 by in silico splicing tools. Functional RNA study has shown that the variant causes an insignificant splicing aberration leading to out-of-frame transcript (PMID: 35806449, 31642931). Therefore the variant was classified as likely benign (ACMG/AMP: BS3-Stand alone, BS1, PP3).

Sema4
Classification: Likely benign for Hereditary cancer-predisposing syndrome. Last evaluated: 2021-06-27. Review status: criteria provided, single submitter. Criteria: Sema4 Curation Guidelines. Collection method: curation. Allele origin: germline.

GeneDx
Classification: Likely benign. Last evaluated: 2020-09-09. Review status: criteria provided, single submitter. Criteria: GeneDx Variant Classification Process June 2021. Collection method: clinical testing. Allele origin: germline. Affected: yes.
Comment: This variant is associated with the following publications: (PMID: 26564480, 26283626, 24556926, 28779002, 31642931)

Mendelics
Classification: Uncertain significance for Familial cancer of breast. Last evaluated: 2019-05-28. Review status: criteria provided, single submitter. Criteria: Mendelics Assertion Criteria 2017. Collection method: clinical testing. Allele origin: unknown.

Ambry Genetics
Classification: Likely benign for Hereditary cancer-predisposing syndrome. Last evaluated: 2018-06-05. Review status: criteria provided, single submitter. Criteria: Ambry Variant Classification Scheme 2023. Collection method: clinical testing. Allele origin: germline.

Color Diagnostics, LLC DBA Color Health
Classification: Likely benign for Hereditary cancer-predisposing syndrome. Last evaluated: 2018-05-16. Review status: criteria provided, single submitter. Criteria: ACMG Guidelines, 2015. Collection method: clinical testing. Allele origin: germline.

Illumina Laboratory Services, Illumina
Classification: Uncertain significance for Fanconi anemia complementation group N. Last evaluated: 2018-01-13. Review status: criteria provided, single submitter. Criteria: ICSL Variant Classification Criteria 13 December 2019. Collection method: clinical testing. Allele origin: germline.

Cancer Genetics Laboratory, Peter MacCallum Cancer Centre
Classification: Likely benign for Familial cancer of breast. Last evaluated: 2015-06-01. Review status: criteria provided, single submitter. Criteria: Thompson et al. (Breast Cancer Res. 2015). Collection method: case-control. Allele origin: germline. Affected: yes. Observed: 2 variant alleles, 2 heterozygotes.

PreventionGenetics, part of Exact Sciences
Classification: Likely benign for PALB2-related condition. Last evaluated: 2022-02-07. Review status: no assertion criteria provided. Collection method: clinical testing. Allele origin: germline. Not counted in ClinVar's aggregate classification.
Comment: This variant is classified as likely benign based on ACMG/AMP sequence variant interpretation guidelines (Richards et al. 2015 PMID: 25741868, with internal and published modifications).

Leiden Open Variation Database
Classification: Uncertain significance for Familial cancer of breast. Last evaluated: 2019-05-13. Review status: no assertion criteria provided. Collection method: curation. Allele origin: germline. Affected: yes. Not counted in ClinVar's aggregate classification.
Comment: Curators: Marc Tischkowitz, Arleen D. Auerbach. Submitter to LOVD: Marc Tischkowitz.

Department of Pathology and Laboratory Medicine, Sinai Health System
Classification: Uncertain significance for Malignant tumor of breast. Review status: no assertion criteria provided. Collection method: clinical testing. Allele origin: unknown. Affected: yes. Observed: 1 variant allele. Study: The Canadian Open Genetics Repository (COGR). Not counted in ClinVar's aggregate classification.
Comment: The PALB2 p.Gly793= variant was identified in 2 of 5146 proband chromosomes (frequency: 0.0004) from individuals or families with breast cancer and was not identified in 3996 control chromosomes from healthy individuals (Catucci 2014, Thompson 2015). The variant was also identified in dbSNP (ID: rs377626805) as "With other allele", ClinVar (classified as likely benign by Invitae, Ambry Genetics and one clinical laboratory; as uncertain significance by five submitters), and in LOVD 3.0 (1x) database. The variant was identified in control databases in 22 of 277202 chromosomes at a frequency of 0.00008 (Genome Aggregation Database Feb 27, 2017). The variant was observed in the following populations: African in 1 of 24034 chromosomes (freq: 0.00004), Other in 1 of 6466 chromosomes (freq: 0.0002), Latino in 3 of 34412 chromosomes (freq: 0.00009), European in 15 of 126706 chromosomes (freq: 0.0001), Ashkenazi Jewish in 1 of 10150 chromosomes (freq: 0.0001), and South Asian in 1 of 30778 chromosomes (freq: 0.00003), while the variant was not observed in the East Asian, and Finnish, populations. The p.Gly793= variant is not expected to have clinical significance because it does not result in a change of amino acid and is not located in a known consensus splice site. The variant occurs outside of the splicing consensus sequence and 3 of 4 in silico or computational prediction software programs (SpliceSiteFinder, MaxEntScan, NNSPLICE, GeneSplicer) predict a greater than 10% difference in splicing. However, this information is not predictive enough to assume pathogenicity. In summary, based on the above information the clinical significance of this variant cannot be determined with certainty at this time. This variant is classified as a variant of uncertain significance.

Literature cited by the submitters: PubMed 31642931 (cited by 3 submitters); PubMed 25085752 (cited by Myriad Genetics, Inc.); PubMed 28779002 (cited by Quest Diagnostics Nichols Institute San Juan Capistrano and Women's Health and Genetics/Laboratory Corporation of America, LabCorp); PubMed 35806449 (cited by Quest Diagnostics Nichols Institute San Juan Capistrano and Department of Molecular Diagnostics, Institute of Oncology Ljubljana); PubMed 35264596 (cited by Quest Diagnostics Nichols Institute San Juan Capistrano); PubMed 24556926 (cited by 4 submitters); PubMed 26283626 (cited by 3 submitters); PubMed 26564480 (cited by Quest Diagnostics Nichols Institute San Juan Capistrano and Women's Health and Genetics/Laboratory Corporation of America, LabCorp); PubMed 27106063 (cited by Quest Diagnostics Nichols Institute San Juan Capistrano and Women's Health and Genetics/Laboratory Corporation of America, LabCorp); PubMed 28794409 (cited by Women's Health and Genetics/Laboratory Corporation of America, LabCorp).